The following is an entry in ClinVar:

ClinVar aggregate classification (germline): Benign/Likely benign. Review status: criteria provided, multiple submitters, no conflicts (2 of 4 stars). 5 submissions from 5 submitters: Benign (1); Likely benign (4). Last evaluated 2025-10-01.

Conditions:
Hereditary nonpolyposis colorectal neoplasms. Identifiers: MedGen C0009405, MeSH D003123.
Hereditary cancer-predisposing syndrome. Also called: Hereditary Cancer Syndrome; Hereditary neoplastic syndrome; Neoplastic Syndromes, Hereditary; Tumor predisposition. Identifiers: Orphanet 140162, MedGen C0027672, MeSH D009386, MONDO:0015356.
Lynch syndrome. Identifiers: Orphanet 144, MedGen C4552100, MONDO:0005835. Disease mechanism: loss of function.
Lynch syndrome 5 (LYNCH5). Also called: Hereditary non-polyposis colorectal cancer, type 5; Colorectal cancer, hereditary nonpolyposis, type 5. Identifiers: Orphanet 144, MedGen C1833477, MONDO:0013710, OMIM 614350. Disease mechanism: loss of function.

Submissions (5):

Ambry Genetics
Classification: Likely benign for Hereditary cancer-predisposing syndrome. Last evaluated: 2025-10-01. Review status: criteria provided, single submitter. Criteria: Ambry Variant Classification Scheme 2023. Collection method: clinical testing. Allele origin: germline.

Myriad Genetics, Inc.
Classification: Benign for Lynch syndrome 5. Last evaluated: 2024-12-20. Review status: criteria provided, single submitter. Criteria: Myriad Autosomal Dominant, Autosomal Recessive and X-Linked Classification Criteria (2023). Collection method: clinical testing. Allele origin: unknown.
Comment: This variant is considered benign. This variant is a silent/synonymous amino acid change and it is not expected to impact splicing.

Labcorp Genetics (formerly Invitae), Labcorp
Classification: Likely benign for Hereditary nonpolyposis colorectal neoplasms. Last evaluated: 2023-11-24. Review status: criteria provided, single submitter. Criteria: Invitae Variant Classification Sherloc (09022015). Collection method: clinical testing. Allele origin: germline.

All of Us Research Program, National Institutes of Health
Classification: Likely benign for Lynch syndrome. Last evaluated: 2023-08-15. Review status: criteria provided, single submitter. Criteria: ACMG Guidelines, 2015. Collection method: clinical testing. Allele origin: germline. Inheritance: Autosomal dominant inheritance. Observed: 1 variant allele, 1 heterozygote.
Comment: This study involves interpretation of variants in research participants for the purpose of population health screening. Participant phenotype was not available at the time of variant classification. Additional details can be found in publication PMID: 35346344, PMCID: PMC8962531

Color Diagnostics, LLC DBA Color Health
Classification: Likely benign for Hereditary cancer-predisposing syndrome. Last evaluated: 2017-10-27. Review status: criteria provided, single submitter. Criteria: ACMG Guidelines, 2015. Collection method: clinical testing. Allele origin: germline.

NM_000179.3(MSH6):c.816A>G (p.Glu272=)

Gene: MSH6 (mutS homolog 6; plus strand). Cytogenetic location: 2p16.3.
Variant type: single nucleotide variant.
Coding change: c.816A>G on transcript NM_000179.3 (MANE Select); coding-DNA position 816, A replaced by G.
Protein change: p.Glu272=; no amino-acid change (glutamic acid 272 retained).
Molecular consequence: synonymous variant. On other transcripts: 5 prime UTR variant (2).
Genome position (GRCh38, 1-based): chr2:47,798,799, A>G. VCF-style: chr2-47798799-A-G. GRCh37 (hg19) VCF-style: chr2-48025938-A-G.
Other names: c.426A>G, p.Glu142= (NM_001281492.2); c.-91A>G (NM_001281493.2, NM_001281494.2).
Identifiers: ClinVar variation 455349 (VCV000455349.14), dbSNP rs863224631, ClinGen allele CA426120909.
Genomic context (GRCh38, chr2:47,798,799, plus strand): 5'-AGATTCTGAGAGTGACATTGGTGGCTCTGATGTGGAATTTAAGCCAGACACTAAGGAGGA[A>G]GGAAGCAGTGATGAAATAAGCAGTGGAGTGGGGGATAGTGAGAGTGAAGGCCTGAACAGC-3'
Protein context (NP_000170.1, residues 262-282): DVEFKPDTKE[Glu272=]GSSDEISSGV